The following is an entry in ClinVar:

NM_000152.5(GAA):c.811A>G (p.Thr271Ala)

Gene: GAA (alpha glucosidase; plus strand). Cytogenetic location: 17q25.3.
Variant type: single nucleotide variant.
Coding change: c.811A>G on transcript NM_000152.5 (MANE Select); coding-DNA position 811, A replaced by G.
Protein change: p.Thr271Ala; replaces threonine 271 with alanine.
Molecular consequence: missense variant.
Genome position (GRCh38, 1-based): chr17:80,107,675, A>G. VCF-style: chr17-80107675-A-G. GRCh37 (hg19) VCF-style: chr17-78081474-A-G.
Other names: c.811A>G, p.Thr271Ala (NM_001079803.3, NM_001079804.3, NM_001406741.1 and 1 more transcripts); short protein forms T271A.
Identifiers: ClinVar variation 4876271 (VCV004876271.1).

ClinVar aggregate classification (germline): Likely benign (1 of 4 stars; one submission).

Conditions:
Glycogen storage disease, type II (IOPD). Also called: Pompe Disease; CARDIOMEGALIA GLYCOGENICA DIFFUSA; GLYCOGENOSIS, GENERALIZED, CARDIAC FORM; GSD II; POMPE DISEASE, INFANTILE-ONSET; GLYCOGEN STORAGE DISEASE II, INFANTILE-ONSET. Identifiers: Orphanet 365, MedGen C0017921, MONDO:0009290, OMIM 232300.

Submission:

Genomenon, Inc
Classification: Likely benign for Glycogen storage disease, type II. Last evaluated: 2026-07-01. Review status: criteria provided, single submitter. Criteria: Genomenon Sequence Variant Interpretation Standards - Updated. Collection method: curation. Allele origin: germline. Affected: yes.
Comment: GAA p.Thr271Ala (c.811A>G) is a missense variant that changes the amino acid at codon 271 from Threonine to Alanine. This variant has been observed in at least one proband with a GAA-related disorder (PMID:19948615). Well-established functional studies show no damaging effect of this variant on protein function, supporting a benign classification (PMID:22644586). It is absent or not present at a significant frequency in gnomAD. In silico models predict that this variant is not damaging. In conclusion, we classify GAA p.Thr271Ala (c.811A>G) as a likely benign variant.

Literature cited by the submitters: PubMed 19948615; PubMed 22644586.